The following is an entry in ClinVar:

ClinVar aggregate classification (germline): Conflicting classifications of pathogenicity. Review status: criteria provided, conflicting classifications (1 of 4 stars). 4 submissions from 4 submitters: Uncertain significance (3); Likely benign (1). Last evaluated 2025-12-13.

Conditions:
Facial dysmorphism-immunodeficiency-livedo-short stature syndrome. Also called: Facial dysmorphism, immunodeficiency, livedo, and short stature; FILS syndrome. Identifiers: Orphanet 352712, MedGen C3554576, MONDO:0014058, OMIM 615139.
Intrauterine growth retardation, metaphyseal dysplasia, adrenal hypoplasia congenita, genital anomalies, and immunodeficiency. Also called: IMAGEI SYNDROME. Identifiers: MedGen C5193036, MONDO:0032684, OMIM 618336.
Colorectal cancer, susceptibility to, 12 (CRCS12). Also called: COLORECTAL CANCER, SUSCEPTIBILITY TO, ON CHROMOSOME 12q24. Identifiers: Orphanet 220460, MedGen C3554460, MONDO:0014038, OMIM 615083.
Hereditary cancer-predisposing syndrome. Also called: Neoplastic Syndromes, Hereditary; Tumor predisposition; Hereditary Cancer Syndrome; Hereditary neoplastic syndrome. Identifiers: Orphanet 140162, MedGen C0027672, MeSH D009386, MONDO:0015356.

Allele frequency attached by ClinVar (database versions not stated): ExAC 0.00001; gnomAD 0.00001; gnomAD exomes 0.00001 and 0.00002.
gnomAD v4.1: 14 of 1,613,982 alleles (0.00087%); highest among the groups gnomAD compares: East Asian, 0.0067%; no homozygotes.

Submissions (4):

Labcorp Genetics (formerly Invitae), Labcorp
Classification: Uncertain significance. Last evaluated: 2025-12-13. Review status: criteria provided, single submitter. Criteria: Invitae Variant Classification Sherloc (09022015). Collection method: clinical testing. Allele origin: germline.
Comment: This sequence change replaces arginine, which is basic and polar, with histidine, which is basic and polar, at codon 924 of the POLE protein (p.Arg924His). This variant is present in population databases (rs763594644, gnomAD 0.01%). This variant has not been reported in the literature in individuals affected with POLE-related conditions. ClinVar contains an entry for this variant (Variation ID: 473554). Invitae Evidence Modeling of protein sequence and biophysical properties (such as structural, functional, and spatial information, amino acid conservation, physicochemical variation, residue mobility, and thermodynamic stability) indicates that this missense variant is not expected to disrupt POLE protein function with a negative predictive value of 80%. In summary, the available evidence is currently insufficient to determine the role of this variant in disease. Therefore, it has been classified as a Variant of Uncertain Significance.

Department of Pathology and Laboratory Medicine, Sinai Health System
Classification: Uncertain significance for Colorectal cancer, susceptibility to, 12; Facial dysmorphism-immunodeficiency-livedo-short stature syndrome; Intrauterine growth retardation, metaphyseal dysplasia, adrenal hypoplasia congenita, genital anomalies, and immunodeficiency. Last evaluated: 2025-02-19. Review status: criteria provided, single submitter. Criteria: ACMG Guidelines, 2015. Collection method: clinical testing. Allele origin: germline.

Ambry Genetics
Classification: Likely benign for Hereditary cancer-predisposing syndrome. Last evaluated: 2025-01-15. Review status: criteria provided, single submitter. Criteria: Ambry Variant Classification Scheme 2023. Collection method: clinical testing. Allele origin: germline.

GeneDx
Classification: Uncertain significance. Last evaluated: 2023-11-13. Review status: criteria provided, single submitter. Criteria: GeneDx Variant Classification Process June 2021. Collection method: clinical testing. Allele origin: germline. Affected: yes.
Comment: Not observed at significant frequency in large population cohorts (gnomAD); In silico analysis supports that this missense variant has a deleterious effect on protein structure/function; Observed in individuals with breast cancer (PMID: 32091409); This variant is associated with the following publications: (PMID: 32091409)

NM_006231.4(POLE):c.2771G>A (p.Arg924His)

Gene: POLE (DNA polymerase epsilon, catalytic subunit; minus strand). Cytogenetic location: 12q24.33.
Variant type: single nucleotide variant.
Coding change: c.2771G>A on transcript NM_006231.4 (MANE Select); coding-DNA position 2771, G replaced by A.
Protein change: p.Arg924His; replaces arginine 924 with histidine.
Molecular consequence: missense variant.
Genome position (GRCh38, 1-based): chr12:132,661,620, C>T on the plus strand (G>A on the coding strand, the complement: POLE is on the minus strand). VCF-style: chr12-132661620-C-T. GRCh37 (hg19) VCF-style: chr12-133238206-C-T.
Other names: c.2771G>A (NM_006231.2); short protein forms R924H.
Identifiers: ClinVar variation 473554 (VCV000473554.11), dbSNP rs763594644, ClinGen allele CA6893448.